The following is an entry in ClinVar:

NC_000011.9:g.(?_118967698)_(119170501_?)dup

Genes: NLRX1 (NLR family member X1; plus strand), DRC12 (dynein regulatory complex subunit 12 homolog; minus strand), C2CD2L (C2CD2 like; plus strand), NHERF4 (NHERF family PDZ scaffold protein 4; plus strand), CBL (Cbl proto-oncogene; plus strand) and 3 more. Cytogenetic location: 11q23.3.
Variant type: Duplication.
Identifiers: ClinVar variation 833331 (VCV000833331.2).

ClinVar aggregate classification (germline): Uncertain significance (1 of 4 stars; one submission).

Conditions:
Congenital myasthenic syndrome 13 (CMS13). Also called: Myasthenic syndrome, congenital, 13, with tubular aggregates; Myasthenic syndrome, congenital, with tubular aggregates 2. Identifiers: Orphanet 353327, Orphanet 590, MedGen C3553645, MONDO:0013883, OMIM 614750.
DPAGT1-congenital disorder of glycosylation. Also called: CDG Ij; DPAGT1-CDG; CONGENITAL DISORDER OF GLYCOSYLATION, TYPE Ij. Identifiers: Orphanet 86309, MedGen C2931004, MONDO:0011964, OMIM 608093.

Submission:

Labcorp Genetics (formerly Invitae), Labcorp
Classification: Uncertain significance for Congenital myasthenic syndrome 13; Congenital disorder of glycosylation type 1J. Last evaluated: 2019-09-17. Review status: criteria provided, single submitter. Criteria: Invitae Variant Classification Sherloc (09022015). Collection method: clinical testing. Allele origin: germline.
Comment: This variant results in a copy number gain of the genomic region encompassing the full coding sequence of the DPAGT1 gene. The boundaries of this event are unknown as they extend beyond the assayed region for this gene and therefore may encompass additional genes. As the precise location of this event is unknown, it may be in tandem or it may be located elsewhere in the genome. This variant has not been reported in the literature in individuals with DPAGT1-related conditions. In summary, the available evidence is currently insufficient to determine the role of this variant in disease. Therefore, it has been classified as a Variant of Uncertain Significance.